The following is an entry in ClinVar:

NM_000137.4(FAH):c.348C>A (p.His116Gln)

Genes: FAH (fumarylacetoacetate hydrolase; plus strand), LOC112272621 (Sharpr-MPRA regulatory region 12283; plus strand). Cytogenetic location: 15q25.1.
Variant type: single nucleotide variant.
Coding change: c.348C>A on transcript NM_000137.4 (MANE Select); coding-DNA position 348, C replaced by A.
Protein change: p.His116Gln; replaces histidine 116 with glutamine.
Molecular consequence: missense variant.
Genome position (GRCh38, 1-based): chr15:80,160,443, C>A. VCF-style: chr15-80160443-C-A. GRCh37 (hg19) VCF-style: chr15-80452785-C-A.
Other names: c.348C>A (NM_000137.2); c.348C>A, p.His116Gln (NM_001374377.1, NM_001374380.1); short protein forms H116Q.
Identifiers: ClinVar variation 1981647 (VCV001981647.5), dbSNP rs538916726, ClinGen allele CA7691106.

ClinVar aggregate classification (germline): Uncertain significance. Review status: criteria provided, multiple submitters, no conflicts (2 of 4 stars). 2 submissions from 2 submitters: Uncertain significance (2). Last evaluated 2025-07-22.

Conditions:
FAH-related disorder. Also called: FAH-related condition.
Tyrosinemia type I (TYRSN1). Also called: Tyrosinemia type 1; Fumarylacetoacetase deficiency; Deficiency of fumarylacetoacetase; HEPATORENAL TYROSINEMIA; FAH DEFICIENCY. Identifiers: Orphanet 882, MedGen C0268490, MONDO:0010161, OMIM 276700. Disease mechanism: loss of function.

gnomAD v4.1: 9 of 1,614,216 alleles (0.00056%); highest among the groups gnomAD compares: Admixed American, 0.015%; no homozygotes.

Submissions (2):

PreventionGenetics, part of Exact Sciences
Classification: Uncertain significance for FAH-related condition. Last evaluated: 2025-07-22. Review status: criteria provided, single submitter. Criteria: ACMG Guidelines, 2015. Collection method: clinical testing. Allele origin: germline.
Comment: The FAH c.348C>A variant is predicted to result in the amino acid substitution p.His116Gln. To our knowledge, this variant has not been reported in the literature. This variant is reported in 0.026% of alleles in individuals of Latino descent in gnomAD. At this time, the clinical significance of this variant is uncertain due to the absence of conclusive functional and genetic evidence.

Labcorp Genetics (formerly Invitae), Labcorp
Classification: Uncertain significance for Tyrosinemia type I. Last evaluated: 2025-07-14. Review status: criteria provided, single submitter. Criteria: Invitae Variant Classification Sherloc (09022015). Collection method: clinical testing. Allele origin: germline.
Comment: This sequence change replaces histidine, which is basic and polar, with glutamine, which is neutral and polar, at codon 116 of the FAH protein (p.His116Gln). This variant is present in population databases (rs538916726, gnomAD 0.03%). This variant has not been reported in the literature in individuals affected with FAH-related conditions. ClinVar contains an entry for this variant (Variation ID: 1981647). Invitae Evidence Modeling of protein sequence and biophysical properties (such as structural, functional, and spatial information, amino acid conservation, physicochemical variation, residue mobility, and thermodynamic stability) indicates that this missense variant is not expected to disrupt FAH protein function with a negative predictive value of 80%. In summary, the available evidence is currently insufficient to determine the role of this variant in disease. Therefore, it has been classified as a Variant of Uncertain Significance.